The following is an entry in ClinVar:

ClinVar aggregate classification (germline): Likely pathogenic (1 of 4 stars; one submission).

Allele frequency attached by ClinVar (database versions not stated): TOPMed below 0.00001 and 0.00001; ExAC 0.00001; gnomAD exomes below 0.00001; gnomAD 0.00001.
gnomAD v4.1: 67 of 1,614,016 alleles (0.0042%); highest among the groups gnomAD compares: Non-Finnish European, 0.0056%; no homozygotes.

Submission:

GeneDx
Classification: Likely pathogenic. Last evaluated: 2022-07-21. Review status: criteria provided, single submitter. Criteria: GeneDx Variant Classification Process June 2021. Collection method: clinical testing. Allele origin: germline. Affected: yes.
Comment: Not observed at significant frequency in large population cohorts (gnomAD); In silico analysis supports that this missense variant has a deleterious effect on protein structure/function; This variant is associated with the following publications: (PMID: 27525530, 34200080, 33689781)

NM_003235.5(TG):c.479G>C (p.Cys160Ser)

Gene: TG (thyroglobulin; plus strand). Cytogenetic location: 8q24.22.
Variant type: single nucleotide variant.
Coding change: c.479G>C on transcript NM_003235.5 (MANE Select); coding-DNA position 479, G replaced by C.
Protein change: p.Cys160Ser; replaces cysteine 160 with serine.
Molecular consequence: missense variant.
Genome position (GRCh38, 1-based): chr8:132,873,062, G>C. VCF-style: chr8-132873062-G-C. GRCh37 (hg19) VCF-style: chr8-133885307-G-C.
Other names: short protein forms C160S.
Identifiers: ClinVar variation 450216 (VCV000450216.4), dbSNP rs775401701, ClinGen allele CA4882932.